The following is an entry in ClinVar:

NM_001304438.2(TMEM132E):c.2747A>T (p.Tyr916Phe)

Gene: TMEM132E (transmembrane protein 132E; plus strand). Cytogenetic location: 17q12.
Variant type: single nucleotide variant.
Coding change: c.2747A>T on transcript NM_001304438.2 (MANE Select); coding-DNA position 2747, A replaced by T.
Protein change: p.Tyr916Phe; replaces tyrosine 916 with phenylalanine.
Molecular consequence: missense variant.
Genome position (GRCh38, 1-based): chr17:34,637,754, A>T. VCF-style: chr17-34637754-A-T. GRCh37 (hg19) VCF-style: chr17-32964773-A-T.
Other names: short protein forms Y916F.
Identifiers: ClinVar variation 1911879 (VCV001911879.5), dbSNP rs1401195625, ClinGen allele CA399069071.
Genomic context (GRCh38, chr17:34,637,754, plus strand): 5'-GCGTCTTCTGCCTCGCCATCCTCGTCTTCCTCATCAACTGCATCGTTTTTGTGCTGCGCT[A>T]CCGGCACAAGCGCATCCCGCCCGAGGGCCAGACCAGCATGGACCACTCTCACCACTGGGT-3'
Protein context (NP_001291367.1, residues 906-926): LINCIVFVLR[Tyr916Phe]RHKRIPPEGQ

ClinVar aggregate classification (germline): Uncertain significance (1 of 4 stars; one submission).

Allele frequency attached by ClinVar (database versions not stated): gnomAD 0.00001; gnomAD exomes 0.00002.
gnomAD v4.1: 33 of 1,613,462 alleles (0.002%); highest among the groups gnomAD compares: Non-Finnish European, 0.0028%; no homozygotes.

Submission:

Labcorp Genetics (formerly Invitae), Labcorp
Classification: Uncertain significance. Last evaluated: 2022-08-21. Review status: criteria provided, single submitter. Criteria: Invitae Variant Classification Sherloc (09022015). Collection method: clinical testing. Allele origin: germline.
Comment: In summary, the available evidence is currently insufficient to determine the role of this variant in disease. Therefore, it has been classified as a Variant of Uncertain Significance. Algorithms developed to predict the effect of missense changes on protein structure and function are either unavailable or do not agree on the potential impact of this missense change (SIFT: "Tolerated"; PolyPhen-2: "Not Available"; Align-GVGD: "Class C0"). This variant has not been reported in the literature in individuals affected with TMEM132E-related conditions. This variant is present in population databases (no rsID available, gnomAD 0.003%). This sequence change replaces tyrosine, which is neutral and polar, with phenylalanine, which is neutral and non-polar, at codon 916 of the TMEM132E protein (p.Tyr916Phe).